The following is an entry in ClinVar:

ClinVar aggregate classification (germline): Uncertain significance (1 of 4 stars; one submission).

gnomAD v4.1: 21 of 1,612,354 alleles (0.0013%); highest among the groups gnomAD compares: Admixed American, 0.0017%; no homozygotes.

Submission:

GeneDx
Classification: Uncertain significance. Last evaluated: 2023-09-28. Review status: criteria provided, single submitter. Criteria: GeneDx Variant Classification Process June 2021. Collection method: clinical testing. Allele origin: germline. Affected: yes.
Comment: Not observed at significant frequency in large population cohorts (gnomAD); Missense variant in a gene in which most reported pathogenic variants are truncating/loss of function; Has not been previously published as pathogenic or benign to our knowledge

NM_001267550.2(TTN):c.34171A>G (p.Ile11391Val)

Gene: TTN (titin; minus strand). Cytogenetic location: 2q31.2.
Variant type: single nucleotide variant.
Coding change: c.34171A>G on transcript NM_001267550.2 (MANE Select); coding-DNA position 34171, A replaced by G.
Protein change: p.Ile11391Val; replaces isoleucine 11391 with valine.
Molecular consequence: missense variant. On other transcripts: intron variant (3).
Genome position (GRCh38, 1-based): chr2:178,677,741, T>C on the plus strand (A>G on the coding strand, the complement: TTN is on the minus strand). VCF-style: chr2-178677741-T-C. GRCh37 (hg19) VCF-style: chr2-179542468-T-C.
Other names: c.33220A>G, p.Ile11074Val (NM_001256850.1); c.30439A>G, p.Ile10147Val (NM_133378.4); c.13283-35424A>G (NM_003319.4); c.13859-35424A>G (NM_133437.4); c.13658-35424A>G (NM_133432.3); short protein forms I10147V, I11074V, I11391V.
Identifiers: ClinVar variation 3340242 (VCV003340242.1).